The following is an entry in ClinVar:

NM_003136.4(SRP54):c.283A>G (p.Thr95Ala)

Gene: SRP54 (signal recognition particle 54; plus strand). Cytogenetic location: 14q13.2.
Variant type: single nucleotide variant.
Coding change: c.283A>G on transcript NM_003136.4 (MANE Select); coding-DNA position 283, A replaced by G.
Protein change: p.Thr95Ala; replaces threonine 95 with alanine.
Molecular consequence: missense variant.
Genome position (GRCh38, 1-based): chr14:35,007,310, A>G. VCF-style: chr14-35007310-A-G. GRCh37 (hg19) VCF-style: chr14-35476516-A-G.
Other names: c.136A>G, p.Thr46Ala (NM_001146282.2); c.283A>G, p.Thr95Ala (NM_001411017.1); short protein forms T95A, T46A.
Identifiers: ClinVar variation 1973043 (VCV001973043.5), dbSNP rs760646389, ClinGen allele CA7153546.

ClinVar aggregate classification (germline): Uncertain significance (1 of 4 stars; one submission).

Allele frequency attached by ClinVar (database versions not stated): gnomAD exomes below 0.00001; ExAC 0.00001.
gnomAD v4.1: 3 of 1,593,070 alleles (0.00019%); highest among the groups gnomAD compares: Non-Finnish European, 0.00017%; no homozygotes.

Submission:

Labcorp Genetics (formerly Invitae), Labcorp
Classification: Uncertain significance. Last evaluated: 2022-12-06. Review status: criteria provided, single submitter. Criteria: Invitae Variant Classification Sherloc (09022015). Collection method: clinical testing. Allele origin: germline.
Comment: Advanced modeling of protein sequence and biophysical properties (such as structural, functional, and spatial information, amino acid conservation, physicochemical variation, residue mobility, and thermodynamic stability) performed at Invitae indicates that this missense variant is not expected to disrupt SRP54 protein function. This variant has not been reported in the literature in individuals affected with SRP54-related conditions. This variant is present in population databases (rs760646389, gnomAD 0.0009%). This sequence change replaces threonine, which is neutral and polar, with alanine, which is neutral and non-polar, at codon 95 of the SRP54 protein (p.Thr95Ala). In summary, the available evidence is currently insufficient to determine the role of this variant in disease. Therefore, it has been classified as a Variant of Uncertain Significance.